The following is an entry in ClinVar:

ClinVar aggregate classification (germline): Likely benign. Review status: criteria provided, multiple submitters, no conflicts (2 of 4 stars). 3 submissions from 3 submitters: Likely benign (2). 1 of the submissions does not count toward it. Last evaluated 2025-04-25.

Conditions:
Polycystic kidney disease, adult type (PKD1). Also called: POLYCYSTIC KIDNEY DISEASE, ADULT, TYPE I; Polycystic Kidney Disease 1, Autosomal Dominant; Polycystic kidney disease 1; Polycystic kidney disease 1, severe; Polycystic Kidney, Autosomal Dominant; POLYCYSTIC KIDNEY DISEASE 1 WITH OR WITHOUT POLYCYSTIC LIVER DISEASE. Identifiers: MedGen C3149841, MONDO:0008263, OMIM 173900.
Polycystic kidney disease. Also called: Polycystic kidney dysplasia; Kidney, Polycystic. Identifiers: MedGen C0022680, MeSH D007690, MONDO:0020642, HP:0000113.

Allele frequency attached by ClinVar (database versions not stated): gnomAD below 0.00001 and 0.00033; TOPMed 0.00005; gnomAD exomes 0.00060 and 0.00133; 1000 Genomes Project 30x 0.00234; ExAC 0.00257; 1000 Genomes Project 0.00260.

Submissions (3):

Women's Health and Genetics/Laboratory Corporation of America, LabCorp
Classification: Likely benign. Last evaluated: 2025-04-25. Review status: criteria provided, single submitter. Criteria: LabCorp Variant Classification Summary - May 2015. Collection method: clinical testing. Allele origin: germline.
Comment: Variant summary: PKD1 c.10619-13delT alters a non-conserved nucleotide located at a position not widely known to affect splicing. Consensus agreement among computation tools predict no significant impact on normal splicing. However, these predictions have yet to be confirmed by functional studies. The variant allele was found at a frequency of 0.00058 in 1591438 control chromosomes in the gnomAD database, including 14 homozygotes. This frequency is not significantly higher than estimated for a pathogenic variant in PKD1 causing PKD1-Biallelic Autosomal Recessive Polycystic Kidney Disease, allowing no conclusion about variant significance. To our knowledge, no occurrence of c.10619-13delT in individuals affected with PKD1-Biallelic Autosomal Recessive Polycystic Kidney Disease and no experimental evidence demonstrating its impact on protein function have been reported. ClinVar contains an entry for this variant (Variation ID: 997270). Based on the evidence outlined above, the variant was classified as likely benign.

Fulgent Genetics
Classification: Likely benign for Polycystic kidney disease, adult type. Last evaluated: 2021-10-08. Review status: criteria provided, single submitter. Criteria: ACMG Guidelines, 2015. Collection method: clinical testing. Allele origin: unknown.

Department of Pathology and Laboratory Medicine, Sinai Health System
Classification: Likely benign for Polycystic Kidney disease. Review status: no assertion criteria provided. Collection method: clinical testing. Allele origin: unknown. Affected: yes. Study: The Canadian Open Genetics Repository (COGR). Not counted in ClinVar's aggregate classification.
Comment: The PKD1 c.10619-13del variant was identified in 1 of 50 proband chromosomes (frequency: 0.02) from individuals or families with ADPKD (Tan 2008). The variant was also identified in dbSNP (ID: rs562614426) as "NA", and in the ADPKD Mutation Database (classified as likely neutral). The variant was not identified in ClinVar, LOVD 3.0, or PKD1-LOVD databases. The variant was identified in control databases in 271 of 234024 chromosomes (4 homozygous) at a frequency of 0.001 increasing the likelihood this could be a low frequency benign variant (Genome Aggregation Database Feb 27, 2017). The variant was observed in the following populations: South Asian in 262 of 27176 chromosomes (freq: 0.0096), Other in 6 of 5704 chromosomes (freq: 0.001), East Asian in 1 of 16838 chromosomes (freq: 0.00006), African in 1 of 20516 chromosomes (freq: 0.00005), European (Non-Finnish) in 1 of 102566 chromosomes (freq: 0.00001), while the variant was not observed in the Ashkenazi Jewish, European (Finnish), and Latino populations. The variant occurs outside of the splicing consensus sequence and in silico or computational prediction software programs (SpliceSiteFinder, MaxEntScan, NNSPLICE, GeneSplicer, HumanSpliceFinder) do not predict a difference in splicing. In summary, based on the above information the clinical significance of this variant cannot be determined with certainty at this time although we would lean towards a more benign role for this variant. This variant is classified as likely benign.

NM_001009944.3(PKD1):c.10619-13del

Genes: PKD1 (polycystin 1, transient receptor potential channel interacting; minus strand), PKD1-AS1 (PKD1 antisense RNA 1; plus strand). Cytogenetic location: 16p13.3.
Variant type: Deletion.
Coding change: c.10619-13del on transcript NM_001009944.3 (MANE Select); 13 bases into the intron before coding-DNA position 10619, one base deleted (T; older notation c.10619-13delT).
Molecular consequence: intron variant.
Genome position (GRCh38, 1-based): chr16:2,094,026, A deleted on the plus strand (T on the coding strand, the reverse complement: PKD1 is on the minus strand). VCF-style (leftmost placement, unchanged base first): chr16-2094025-GA-G. GRCh37 (hg19) VCF-style: chr16-2144026-GA-G.
Other names: c.10616-13del (NM_000296.4); c.10619-13delT (NM_001009944.3).
Identifiers: ClinVar variation 997270 (VCV000997270.4), dbSNP rs562614426, ClinGen allele CA7829483.